The following is an entry in ClinVar:

NM_000246.4(CIITA):c.1253T>C (p.Val418Ala)

Gene: CIITA (class II major histocompatibility complex transactivator; plus strand). Cytogenetic location: 16p13.13.
Variant type: single nucleotide variant.
Coding change: c.1253T>C on transcript NM_000246.4 (MANE Select); coding-DNA position 1253, T replaced by C.
Protein change: p.Val418Ala; replaces valine 418 with alanine.
Molecular consequence: missense variant. On other transcripts: intron variant (1).
Genome position (GRCh38, 1-based): chr16:10,906,745, T>C. VCF-style: chr16-10906745-T-C. GRCh37 (hg19) VCF-style: chr16-11000602-T-C.
Other names: c.1256T>C, p.Val419Ala (NM_001286402.1, NM_001379332.1); c.1109T>C, p.Val370Ala (NM_001379330.1); c.1106T>C, p.Val369Ala (NM_001379331.1); c.1253T>C, p.Val418Ala (NM_001379333.1); c.1184T>C, p.Val395Ala (NM_001379334.1); c.859+1933T>C (NM_001286403.2); short protein forms V369A, V418A, V370A, V419A, V395A.
Identifiers: ClinVar variation 1449540 (VCV001449540.6), dbSNP rs142317834, ClinGen allele CA7900092.

ClinVar aggregate classification (germline): Uncertain significance (1 of 4 stars; one submission).

Conditions:
MHC class II deficiency. Also called: BLS, TYPE II; Bare lymphocyte syndrome 2. Identifiers: Orphanet 572, MedGen C5447452, MONDO:0008855.

Allele frequency attached by ClinVar (database versions not stated): gnomAD exomes below 0.00001 and 0.00001; gnomAD 0.00001; ExAC 0.00002; ESP Exome Variant Server 0.00008.
gnomAD v4.1: 6 of 1,610,776 alleles (0.00037%); highest among the groups gnomAD compares: Middle Eastern, 0.016%; no homozygotes.

Submission:

Labcorp Genetics (formerly Invitae), Labcorp
Classification: Uncertain significance for MHC class II deficiency. Last evaluated: 2024-01-02. Review status: criteria provided, single submitter. Criteria: Invitae Variant Classification Sherloc (09022015). Collection method: clinical testing. Allele origin: germline.
Comment: This sequence change replaces valine, which is neutral and non-polar, with alanine, which is neutral and non-polar, at codon 418 of the CIITA protein (p.Val418Ala). This variant is present in population databases (rs142317834, gnomAD 0.002%). This variant has not been reported in the literature in individuals affected with CIITA-related conditions. ClinVar contains an entry for this variant (Variation ID: 1449540). An algorithm developed to predict the effect of missense changes on protein structure and function (PolyPhen-2) suggests that this variant is likely to be disruptive. In summary, the available evidence is currently insufficient to determine the role of this variant in disease. Therefore, it has been classified as a Variant of Uncertain Significance.